The following is an entry in ClinVar:

NM_006846.4(SPINK5):c.1553G>A (p.Arg518His)

Gene: SPINK5 (serine peptidase inhibitor Kazal type 5; plus strand). Cytogenetic location: 5q32.
Variant type: single nucleotide variant.
Coding change: c.1553G>A on transcript NM_006846.4 (MANE Select); coding-DNA position 1553, G replaced by A.
Protein change: p.Arg518His; replaces arginine 518 with histidine.
Molecular consequence: missense variant.
Genome position (GRCh38, 1-based): chr5:148,107,110, G>A. VCF-style: chr5-148107110-G-A. GRCh37 (hg19) VCF-style: chr5-147486673-G-A.
Other names: c.1553G>A, p.Arg518His (NM_001127698.2, NM_001127699.2); short protein forms R518H.
Identifiers: ClinVar variation 459568 (VCV000459568.9), dbSNP rs576310290, ClinGen allele CA3495654.

ClinVar aggregate classification (germline): Uncertain significance. Review status: criteria provided, multiple submitters, no conflicts (2 of 4 stars). 2 submissions from 2 submitters: Uncertain significance (2). Last evaluated 2023-08-19.

Conditions:
Netherton syndrome (NETH). Also called: NETHERTON DISEASE; ERYTHRODERMA, ICHTHYOSIFORM, WITH HYPOTRICHOSIS AND HYPER-IgE; COMEL-NETHERTON SYNDROME. Identifiers: Orphanet 634, MedGen C5574950, MONDO:0009735, OMIM 256500.
Inborn genetic diseases. Identifiers: MedGen C0950123, MeSH D030342.

Allele frequency attached by ClinVar (database versions not stated): gnomAD 0.00005 and 0.00006; 1000 Genomes Project 0.00020; 1000 Genomes Project 30x 0.00031.

Submissions (2):

Ambry Genetics
Classification: Uncertain significance for Inborn genetic diseases. Last evaluated: 2023-08-19. Review status: criteria provided, single submitter. Criteria: Ambry Variant Classification Scheme 2023. Collection method: clinical testing. Allele origin: germline.

Labcorp Genetics (formerly Invitae), Labcorp
Classification: Uncertain significance for Ichthyosis linearis circumflexa. Last evaluated: 2022-09-09. Review status: criteria provided, single submitter. Criteria: Invitae Variant Classification Sherloc (09022015). Collection method: clinical testing. Allele origin: germline.
Comment: This sequence change replaces arginine, which is basic and polar, with histidine, which is basic and polar, at codon 518 of the SPINK5 protein (p.Arg518His). This variant is present in population databases (rs576310290, gnomAD 0.02%), including at least one homozygous and/or hemizygous individual. This variant has not been reported in the literature in individuals affected with SPINK5-related conditions. ClinVar contains an entry for this variant (Variation ID: 459568). Advanced modeling of protein sequence and biophysical properties (such as structural, functional, and spatial information, amino acid conservation, physicochemical variation, residue mobility, and thermodynamic stability) performed at Invitae indicates that this missense variant is not expected to disrupt SPINK5 protein function. In summary, the available evidence is currently insufficient to determine the role of this variant in disease. Therefore, it has been classified as a Variant of Uncertain Significance.